The following is an entry in ClinVar:

NM_178335.3(CCDC50):c.617C>T (p.Ser206Phe)

Gene: CCDC50 (coiled-coil domain containing 50; plus strand). Cytogenetic location: 3q28.
Variant type: single nucleotide variant.
Coding change: c.617C>T on transcript NM_178335.3 (MANE Select); coding-DNA position 617, C replaced by T.
Protein change: p.Ser206Phe; replaces serine 206 with phenylalanine.
Molecular consequence: missense variant. On other transcripts: intron variant (1).
Genome position (GRCh38, 1-based): chr3:191,375,230, C>T. VCF-style: chr3-191375230-C-T. GRCh37 (hg19) VCF-style: chr3-191093019-C-T.
Other names: c.449-4929C>T (NM_174908.4); short protein forms S206F.
Identifiers: ClinVar variation 228479 (VCV000228479.45), dbSNP rs138153104, ClinGen allele CA2755292.

ClinVar aggregate classification (germline): Conflicting classifications of pathogenicity. Review status: criteria provided, conflicting classifications (1 of 4 stars). 8 submissions from 8 submitters: Uncertain significance (2); Benign (3); Likely benign (2). 1 of the submissions does not count toward it. Last evaluated 2026-01-21.

Conditions:
CCDC50-related disorder. Also called: CCDC50-related condition.

Allele frequency attached by ClinVar (database versions not stated): 1000 Genomes Project 30x 0.00016; 1000 Genomes Project 0.00020; gnomAD exomes 0.00070 and 0.00127; ExAC 0.00072; gnomAD 0.00078 and 0.00086; TOPMed 0.00082; ESP Exome Variant Server 0.00115.
gnomAD v4.1: 1,958 of 1,613,812 alleles (0.12%); highest among the groups gnomAD compares: Non-Finnish European, 0.15%; 3 homozygotes.

Submissions (8):

Labcorp Genetics (formerly Invitae), Labcorp
Classification: Likely benign. Last evaluated: 2026-01-21. Review status: criteria provided, single submitter. Criteria: Invitae Variant Classification Sherloc (09022015). Collection method: clinical testing. Allele origin: germline.

Blueprint Genetics
Classification: Likely benign. Last evaluated: 2024-10-17. Review status: criteria provided, single submitter. Criteria: ACMG Guidelines, 2015. Collection method: clinical testing. Allele origin: germline.

CeGaT Center for Human Genetics Tuebingen
Classification: Benign. Last evaluated: 2023-04-01. Review status: criteria provided, single submitter. Criteria: CeGaT Center For Human Genetics Tuebingen Variant Classification Criteria Version 2. Collection method: clinical testing. Allele origin: germline. Affected: yes. Observed: 1 variant allele.
Comment: CCDC50: BP4, BS1, BS2

Ambry Genetics
Classification: Uncertain significance. Last evaluated: 2022-01-31. Review status: criteria provided, single submitter. Criteria: Ambry Variant Classification Scheme 2023. Collection method: clinical testing. Allele origin: germline.

GeneDx
Classification: Benign. Last evaluated: 2018-08-10. Review status: criteria provided, single submitter. Criteria: GeneDx Variant Classification Process June 2021. Collection method: clinical testing. Allele origin: germline. Affected: yes.

Laboratory for Molecular Medicine, Mass General Brigham Personalized Medicine
Classification: Uncertain significance. Last evaluated: 2018-04-10. Review status: criteria provided, single submitter. Criteria: LMM Criteria. Collection method: clinical testing. Allele origin: germline. Observed: 3 variant alleles.
Comment: Variant classified as Uncertain Significance - Favor Benign. The p.Ser206Phe var iant in CCDC50 has been previously identified by our laboratory in two individua ls with hearing loss, one of whom had an alternate genetic etiology for their he aring loss (LMM data). This variant has also been identified in 0.12% (154/12597 2) of European chromosomes by the Genome Aggregation Database (gnomAD; dbSNP rs138153104). Although this variant has been seen in the general population, its frequency is not high enough to rule out a patho genic role. Computational prediction tools and conservation analysis suggest tha t the p.Ser206Phe variant may not impact the protein, though this information is not predictive enough to rule out pathogenicity. In summary, while the clinical significance of the p.Ser206Phe variant is uncertain, these data suggest that i t is more likely to be benign. ACMG/AMP Criteria applied: BP4.

Eurofins Ntd Llc (ga)
Classification: Benign. Last evaluated: 2016-04-14. Review status: criteria provided, single submitter. Criteria: EGL Classification Definitions 2015. Collection method: clinical testing. Allele origin: germline. Observed: 1 variant allele, 1 heterozygote.

PreventionGenetics, part of Exact Sciences
Classification: Likely benign for CCDC50-related condition. Last evaluated: 2024-09-17. Review status: no assertion criteria provided. Collection method: clinical testing. Allele origin: germline. Not counted in ClinVar's aggregate classification.
Comment: This variant is classified as likely benign based on ACMG/AMP sequence variant interpretation guidelines (Richards et al. 2015 PMID: 25741868, with internal and published modifications).